The following is an entry in ClinVar:

NM_021096.4(CACNA1I):c.2893C>T (p.Arg965Cys)

Gene: CACNA1I (calcium voltage-gated channel subunit alpha1 I; plus strand). Cytogenetic location: 22q13.1.
Variant type: single nucleotide variant.
Coding change: c.2893C>T on transcript NM_021096.4 (MANE Select); coding-DNA position 2893, C replaced by T.
Protein change: p.Arg965Cys; replaces arginine 965 with cysteine.
Molecular consequence: missense variant.
Genome position (GRCh38, 1-based): chr22:39,661,302, C>T. VCF-style: chr22-39661302-C-T. GRCh37 (hg19) VCF-style: chr22-40057307-C-T.
Other names: c.2788C>T, p.Arg930Cys (NM_001003406.2); short protein forms R930C, R965C.
Identifiers: ClinVar variation 2663349 (VCV002663349.2), dbSNP rs1477510464, ClinGen allele CA411655103.

ClinVar aggregate classification (germline): Uncertain significance. Review status: criteria provided, multiple submitters, no conflicts (2 of 4 stars). 2 submissions from 2 submitters: Uncertain significance (2). Last evaluated 2025-06-24.

Allele frequency attached by ClinVar (database versions not stated): gnomAD 0.00001.
gnomAD v4.1: 8 of 1,570,712 alleles (0.00051%); highest among the groups gnomAD compares: Admixed American, 0.0036%; no homozygotes.

Submissions (2):

Ambry Genetics
Classification: Uncertain significance. Last evaluated: 2025-06-24. Review status: criteria provided, single submitter. Criteria: Ambry Variant Classification Scheme 2023. Collection method: clinical testing. Allele origin: germline.

GeneDx
Classification: Uncertain significance. Last evaluated: 2023-04-06. Review status: criteria provided, single submitter. Criteria: GeneDx Variant Classification Process June 2021. Collection method: clinical testing. Allele origin: germline. Affected: yes.
Comment: In silico analysis supports that this missense variant has a deleterious effect on protein structure/function; Has not been previously published as pathogenic or benign to our knowledge